The following is an entry in ClinVar:

ClinVar aggregate classification (germline): Pathogenic (1 of 4 stars; one submission).

Conditions:
Hereditary spastic paraplegia 49 (HSAN9). Also called: TECPR2-Related Hereditary Sensory and Autonomic Neuropathy with Intellectual Disability; NEUROPATHY, HEREDITARY SENSORY AND AUTONOMIC, TYPE IX, WITH DEVELOPMENTAL DELAY; Spastic paraplegia 49, autosomal recessive. Identifiers: Orphanet 320385, MedGen C5190860, MONDO:0014016, OMIM 615031.

Allele frequency attached by ClinVar (database versions not stated): gnomAD 0.00001.
gnomAD v4.1: 1 of 1,613,568 alleles (0.000062%); no homozygotes.

Submission:

Labcorp Genetics (formerly Invitae), Labcorp
Classification: Pathogenic for Hereditary spastic paraplegia 49. Last evaluated: 2022-11-23. Review status: criteria provided, single submitter. Criteria: Invitae Variant Classification Sherloc (09022015). Collection method: clinical testing. Allele origin: germline.
Comment: For these reasons, this variant has been classified as Pathogenic. This variant has not been reported in the literature in individuals affected with TECPR2-related conditions. This variant is present in population databases (no rsID available, gnomAD 0.03%). This sequence change creates a premature translational stop signal (p.Gln1154*) in the TECPR2 gene. It is expected to result in an absent or disrupted protein product. Loss-of-function variants in TECPR2 are known to be pathogenic (PMID: 23176824, 25590979).

Literature cited by the submitters: PubMed 23176824; PubMed 25590979.

NM_014844.5(TECPR2):c.3460C>T (p.Gln1154Ter)

Gene: TECPR2 (tectonin beta-propeller repeat containing 2; plus strand). Cytogenetic location: 14q32.31.
Variant type: single nucleotide variant.
Coding change: c.3460C>T on transcript NM_014844.5 (MANE Select); coding-DNA position 3460, C replaced by T.
Protein change: p.Gln1154Ter; replaces glutamine 1154 with a stop codon.
Molecular consequence: nonsense.
Genome position (GRCh38, 1-based): chr14:102,452,447, C>T. VCF-style: chr14-102452447-C-T. GRCh37 (hg19) VCF-style: chr14-102918784-C-T.
Other names: c.3460C>T, p.Gln1154Ter (NM_001172631.3); short protein forms Q1154*.
Identifiers: ClinVar variation 2815848 (VCV002815848.3), dbSNP rs1338226967, ClinGen allele CA391068729.